The following is an entry in ClinVar:

ClinVar aggregate classification (germline): Uncertain significance (1 of 4 stars; one submission).

gnomAD v4.1: 8 of 1,613,940 alleles (0.0005%); highest among the groups gnomAD compares: Non-Finnish European, 0.00059%; no homozygotes.

Submission:

Labcorp Genetics (formerly Invitae), Labcorp
Classification: Uncertain significance. Last evaluated: 2025-12-24. Review status: criteria provided, single submitter. Criteria: Invitae Variant Classification Sherloc (09022015). Collection method: clinical testing. Allele origin: germline.
Comment: This sequence change replaces glycine, which is neutral and non-polar, with glutamic acid, which is acidic and polar, at codon 239 of the SIX2 protein (p.Gly239Glu). This variant is present in population databases (rs368542610, gnomAD 0.0009%). This variant has not been reported in the literature in individuals affected with SIX2-related conditions. An algorithm developed to predict the effect of missense changes on protein structure and function (PolyPhen-2) suggests that this variant is likely to be tolerated. In summary, the available evidence is currently insufficient to determine the role of this variant in disease. Therefore, it has been classified as a Variant of Uncertain Significance.

NM_016932.5(SIX2):c.716G>A (p.Gly239Glu)

Gene: SIX2 (SIX homeobox 2; minus strand). Cytogenetic location: 2p21.
Variant type: single nucleotide variant.
Coding change: c.716G>A on transcript NM_016932.5 (MANE Select); coding-DNA position 716, G replaced by A.
Protein change: p.Gly239Glu; replaces glycine 239 with glutamic acid.
Molecular consequence: missense variant.
Genome position (GRCh38, 1-based): chr2:45,006,330, C>T on the plus strand (G>A on the coding strand, the complement: SIX2 is on the minus strand). VCF-style: chr2-45006330-C-T. GRCh37 (hg19) VCF-style: chr2-45233469-C-T.
Other names: short protein forms G239E.
Identifiers: ClinVar variation 4776597 (VCV004776597.1).